The following is an entry in ClinVar:

ClinVar aggregate classification (germline): Uncertain significance (1 of 4 stars; one submission).

Conditions:
MAP1B-related disorder. Also called: MAP1B-related condition.

gnomAD v4.1: 6 of 1,614,222 alleles (0.00037%); highest among the groups gnomAD compares: Non-Finnish European, 0.00051%; no homozygotes.

Submission:

PreventionGenetics, part of Exact Sciences
Classification: Uncertain significance for MAP1B-related condition. Last evaluated: 2026-07-23. Review status: criteria provided, single submitter. Criteria: ACMG Guidelines, 2015. Collection method: clinical testing. Allele origin: germline.
Comment: The MAP1B c.3746A>C variant is predicted to result in the amino acid substitution p.Glu1249Ala. To our knowledge, this variant has not been reported in the literature or in a large population database (gnomAD), indicating this variant is rare. At this time, the clinical significance of this variant is uncertain due to the absence of conclusive functional and genetic evidence.

NM_005909.5(MAP1B):c.3746A>C (p.Glu1249Ala)

Gene: MAP1B (microtubule associated protein 1B; plus strand). Cytogenetic location: 5q13.2.
Variant type: single nucleotide variant.
Coding change: c.3746A>C on transcript NM_005909.5 (MANE Select); coding-DNA position 3746, A replaced by C.
Protein change: p.Glu1249Ala; replaces glutamic acid 1249 with alanine.
Molecular consequence: missense variant.
Genome position (GRCh38, 1-based): chr5:72,197,101, A>C. VCF-style: chr5-72197101-A-C. GRCh37 (hg19) VCF-style: chr5-71492928-A-C.
Other names: c.3368A>C, p.Glu1123Ala (NM_001324255.2); short protein forms E1123A, E1249A.
Identifiers: ClinVar variation 4987906 (VCV004987906.1).